The following is an entry in ClinVar:

NM_001370466.1(NOD2):c.1499C>A (p.Pro500His)

Gene: NOD2 (nucleotide binding oligomerization domain containing 2; plus strand). Cytogenetic location: 16q12.1.
Variant type: single nucleotide variant.
Coding change: c.1499C>A on transcript NM_001370466.1 (MANE Select); coding-DNA position 1499, C replaced by A.
Protein change: p.Pro500His; replaces proline 500 with histidine.
Molecular consequence: missense variant. On other transcripts: non-coding transcript variant (1).
Genome position (GRCh38, 1-based): chr16:50,711,491, C>A. VCF-style: chr16-50711491-C-A. GRCh37 (hg19) VCF-style: chr16-50745402-C-A.
Other names: c.1499C>A, p.Pro500His (NM_001293557.2); c.1580C>A, p.Pro527His (NM_022162.3); short protein forms P500H, P527H.
Identifiers: ClinVar variation 2420388 (VCV002420388.7), dbSNP rs1208159760, ClinGen allele CA395869215.

ClinVar aggregate classification (germline): Uncertain significance (1 of 4 stars; one submission).

Conditions:
Regional enteritis. Also called: Enteritis, Granulomatous. Identifiers: MedGen C0678202, MeSH D003424.
Blau syndrome (BLAUS). Also called: JABS SYNDROME; ARTHROCUTANEOUVEAL GRANULOMATOSIS; GRANULOMATOSIS, FAMILIAL JUVENILE SYSTEMIC; GRANULOMATOSIS, FAMILIAL, BLAU TYPE; GRANULOMATOUS INFLAMMATORY ARTHRITIS, DERMATITIS, AND UVEITIS, FAMILIAL. Identifiers: Orphanet 90340, MedGen C5201146, MONDO:0008523, OMIM 186580.

Submission:

Labcorp Genetics (formerly Invitae), Labcorp
Classification: Uncertain significance for Regional enteritis; Blau syndrome. Last evaluated: 2022-08-19. Review status: criteria provided, single submitter. Criteria: Invitae Variant Classification Sherloc (09022015). Collection method: clinical testing. Allele origin: germline.
Comment: In summary, the available evidence is currently insufficient to determine the role of this variant in disease. Therefore, it has been classified as a Variant of Uncertain Significance. Advanced modeling of protein sequence and biophysical properties (such as structural, functional, and spatial information, amino acid conservation, physicochemical variation, residue mobility, and thermodynamic stability) performed at Invitae indicates that this missense variant is not expected to disrupt NOD2 protein function. This variant has not been reported in the literature in individuals affected with NOD2-related conditions. This variant is not present in population databases (gnomAD no frequency). This sequence change replaces proline, which is neutral and non-polar, with histidine, which is basic and polar, at codon 527 of the NOD2 protein (p.Pro527His).